The following is an entry in ClinVar:

NM_000642.3(AGL):c.4353G>T (p.Trp1451Cys)

Gene: AGL (amylo-alpha-1,6-glucosidase and 4-alpha-glucanotransferase; plus strand). Cytogenetic location: 1p21.2.
Variant type: single nucleotide variant.
Coding change: c.4353G>T on transcript NM_000642.3 (MANE Select); coding-DNA position 4353, G replaced by T.
Protein change: p.Trp1451Cys; replaces tryptophan 1451 with cysteine.
Molecular consequence: missense variant.
Genome position (GRCh38, 1-based): chr1:99,916,603, G>T. VCF-style: chr1-99916603-G-T. GRCh37 (hg19) VCF-style: chr1-100382159-G-T.
Other names: c.4353G>T, p.Trp1451Cys (NM_000028.3, NM_000643.3, NM_000644.3 and 1 more transcripts); c.4305G>T, p.Trp1435Cys (NM_000646.3); c.4332G>T, p.Trp1444Cys (NM_001425326.1); c.4152G>T, p.Trp1384Cys (NM_001425327.1); c.4149G>T, p.Trp1383Cys (NM_001425328.1); c.4014G>T, p.Trp1338Cys (NM_001425329.1); c.3975G>T, p.Trp1325Cys (NM_001425332.1); short protein forms W1451C, W1435C, W1325C, W1338C, W1383C, W1384C, W1444C.
Identifiers: ClinVar variation 374339 (VCV000374339.10), dbSNP rs775685508, ClinGen allele CA967423.

ClinVar aggregate classification (germline): Pathogenic/Likely pathogenic. Review status: criteria provided, multiple submitters, no conflicts (2 of 4 stars). 7 submissions from 7 submitters: Pathogenic (1); Likely pathogenic (4). 2 of the submissions do not count toward it. Last evaluated 2024-10-10.

Conditions:
AGL-related disorder. Also called: AGL-related condition.
Glycogen storage disease type III (GSD3). Also called: FORBES DISEASE; Cori disease. Identifiers: Orphanet 366, MedGen C0017922, MONDO:0009291, OMIM 232400.

Allele frequency attached by ClinVar (database versions not stated): gnomAD exomes 0.00001; ExAC 0.00002.

Submissions (7):

3billion
Classification: Likely pathogenic for Glycogen storage disease type III. Last evaluated: 2024-10-10. Review status: criteria provided, single submitter. Criteria: ACMG Guidelines, 2015. Collection method: clinical testing. Allele origin: germline. Affected: yes.
Comment: The variant is observed at an extremely low frequency in the gnomAD v4.1.0 dataset (total allele frequency: <0.001%). Predicted Consequence/Location: Missense variant. The majority of the known disease-causing variants of this gene are variants expected to result in premature termination of the protein. In silico tool predictions suggest damaging effect of the variant on gene or gene product [REVEL: 0.89 (>=0.6, sensitivity 0.68 and specificity 0.92); 3Cnet: 0.97 (>=0.6, sensitivity 0.72 and precision 0.9)]. The same nucleotide change resulting in the same amino acid change has been previously reported as pathogenic/likely pathogenic with strong evidence (ClinVar ID: VCV000374339 /PMID: 27629047). Therefore, this variant is classified as Likely pathogenic according to the recommendation of ACMG/AMP guideline.

Genomic Medicine Center of Excellence, King Faisal Specialist Hospital and Research Centre
Classification: Likely pathogenic for Glycogen storage disease type III. Last evaluated: 2024-03-25. Review status: criteria provided, single submitter. Criteria: ACMG Guidelines, 2015. Collection method: clinical testing. Allele origin: germline.

Labcorp Genetics (formerly Invitae), Labcorp
Classification: Pathogenic for Glycogen storage disease type III. Last evaluated: 2023-10-23. Review status: criteria provided, single submitter. Criteria: Invitae Variant Classification Sherloc (09022015). Collection method: clinical testing. Allele origin: germline.
Comment: This sequence change replaces tryptophan, which is neutral and slightly polar, with cysteine, which is neutral and slightly polar, at codon 1451 of the AGL protein (p.Trp1451Cys). This variant is present in population databases (rs775685508, gnomAD 0.01%). This missense change has been observed in individual(s) with glycogen storage disease (PMID: 27629047, 32222031). In at least one individual the data is consistent with being in trans (on the opposite chromosome) from a pathogenic variant. It has also been observed to segregate with disease in related individuals. ClinVar contains an entry for this variant (Variation ID: 374339). Advanced modeling of protein sequence and biophysical properties (such as structural, functional, and spatial information, amino acid conservation, physicochemical variation, residue mobility, and thermodynamic stability) performed at Invitae indicates that this missense variant is expected to disrupt AGL protein function with a positive predictive value of 80%. For these reasons, this variant has been classified as Pathogenic.

Blueprint Genetics
Classification: Likely pathogenic for AGL-related disorders. Last evaluated: 2022-07-04. Review status: criteria provided, single submitter. Criteria: ACMG Guidelines, 2015. Collection method: clinical testing. Allele origin: germline. Affected: yes. Observed: 4 variant alleles.

Neuberg Centre For Genomic Medicine, NCGM
Classification: Likely pathogenic for Glycogen storage disease type III. Review status: criteria provided, single submitter. Criteria: ACMG Guidelines, 2015. Collection method: clinical testing. Allele origin: germline. Inheritance: Autosomal recessive inheritance. Affected: yes.
Comment: The missense variant c.4353G>T (p.Trp1451Cys) in AGL gene has been reported in individuals affected with Glycogen storage disease type III (Perveen et al., 2020) and IEM (Alfadhel et al., 2016). This variant is reported with the allele frequency (0.001%) in the gnomAD and novel in 1000 genome database. It has been submitted to ClinVar with varying interpretations: Pathogenic/ Likely Pathogenic. The amino acid Trp at position 1451 is changed to a Cys changing protein sequence and it might alter its composition and physico-chemical properties. The amino acid change p.Trp1451Cys in AGL is predicted as conserved by GERP++ and PhyloP across 100 vertebrates. For these reasons, this variant has been classified as Likely Pathogenic.

Biochemical Molecular Genetic Laboratory, King Abdulaziz Medical City
Classification: Pathogenic for Glycogen storage disease type III. Last evaluated: 2020-02-05. Review status: no assertion criteria provided. Collection method: clinical testing. Allele origin: germline. Affected: yes. Not counted in ClinVar's aggregate classification.

Baylor Genetics
Classification: Likely pathogenic for Glycogen storage disease type III. Last evaluated: 2014-08-19. Review status: no assertion criteria provided. Collection method: clinical testing. Allele origin: germline. Inheritance: Autosomal recessive inheritance. Affected: yes. Observed: 1 variant allele, 1 homozygote. Not counted in ClinVar's aggregate classification.

Literature cited by the submitters: PubMed 27629047 (cited by 3billion and Labcorp Genetics (formerly Invitae), Labcorp); PubMed 32222031 (cited by Labcorp Genetics (formerly Invitae), Labcorp).